The following is an entry in ClinVar:

NM_001360.3(DHCR7):c.99-10G>A

Gene: DHCR7 (7-dehydrocholesterol reductase; minus strand). Cytogenetic location: 11q13.4.
Variant type: single nucleotide variant.
Coding change: c.99-10G>A on transcript NM_001360.3 (MANE Select); 10 bases into the intron before coding-DNA position 99, G replaced by A.
Molecular consequence: intron variant.
Genome position (GRCh38, 1-based): chr11:71,444,225, C>T on the plus strand (G>A on the coding strand, the complement: DHCR7 is on the minus strand). VCF-style: chr11-71444225-C-T. GRCh37 (hg19) VCF-style: chr11-71155271-C-T.
Other names: p.?; c.99-10G>A (NM_001163817.2).
Identifiers: ClinVar variation 704613 (VCV000704613.27), dbSNP rs189549129, ClinGen allele CA6162689.

ClinVar aggregate classification (germline): Conflicting classifications of pathogenicity. Review status: criteria provided, conflicting classifications (1 of 4 stars). 9 submissions from 9 submitters: Uncertain significance (1); Benign (4); Likely benign (2). 2 of the submissions do not count toward it. Last evaluated 2026-01-28.

Conditions:
DHCR7-related disorder. Also called: DHCR7-related condition.
Smith-Lemli-Opitz syndrome (SLOS). Also called: LETHAL ACRODYSGENITAL SYNDROME; POLYDACTYLY, SEX REVERSAL, RENAL HYPOPLASIA, AND UNILOBAR LUNG; RSH SYNDROME; RUTLEDGE LETHAL MULTIPLE CONGENITAL ANOMALY SYNDROME; 7-Dehydrocholesterol reductase deficiency. Identifiers: Orphanet 818, MedGen C0175694, MONDO:0010035, OMIM 270400.

Allele frequency attached by ClinVar (database versions not stated): gnomAD exomes 0.00042 and 0.00115; ExAC 0.00237; gnomAD 0.00467 and 0.00495; TOPMed 0.00527; 1000 Genomes Project 0.00539; 1000 Genomes Project 30x 0.00547; ESP Exome Variant Server 0.00555.
gnomAD v4.1: 1,320 of 1,567,456 alleles (0.084%); highest among the groups gnomAD compares: African/African-American, 1.6%; 16 homozygotes.

Submissions (9):

Labcorp Genetics (formerly Invitae), Labcorp
Classification: Benign for Smith-Lemli-Opitz syndrome. Last evaluated: 2026-01-28. Review status: criteria provided, single submitter. Criteria: Invitae Variant Classification Sherloc (09022015). Collection method: clinical testing. Allele origin: germline.

Blueprint Genetics
Classification: Likely benign. Last evaluated: 2024-11-08. Review status: criteria provided, single submitter. Criteria: ACMG Guidelines, 2015. Collection method: clinical testing. Allele origin: germline.

Mayo Clinic Laboratories, Mayo Clinic
Classification: Benign. Last evaluated: 2022-05-04. Review status: criteria provided, single submitter. Criteria: ACMG Guidelines, 2015. Collection method: clinical testing. Allele origin: germline. Observed: 6 variant alleles.
Comment: BS1, BS2, BP4, BP7

Women's Health and Genetics/Laboratory Corporation of America, LabCorp
Classification: Benign. Last evaluated: 2019-09-19. Review status: criteria provided, single submitter. Criteria: LabCorp Variant Classification Summary - May 2015. Collection method: clinical testing. Allele origin: germline.
Comment: Variant summary: DHCR7 c.99-10G>A alters a non-conserved nucleotide located close to a canonical splice site and therefore could affect mRNA splicing, leading to a significantly altered protein sequence. 5/5 computational tools predict no significant impact on normal splicing. However, these predictions have yet to be confirmed by functional studies. The variant allele was found at a frequency of 0.0017 in 207728 control chromosomes, predominantly at a frequency of 0.017 within the African or African-American subpopulation in the gnomAD database, including 3 homozygotes. The observed variant frequency within African or African-American control individuals in the gnomAD database is approximately 4 fold of the estimated maximal expected allele frequency for a pathogenic variant in DHCR7 causing Smith-Lemli-Opitz Syndrome phenotype (0.0043), strongly suggesting that the variant is a benign polymorphism found primarily in populations of African or African-American origin. To our knowledge, no occurrence of c.99-10G>A in individuals affected with Smith-Lemli-Opitz Syndrome and no experimental evidence demonstrating its impact on protein function have been reported. No clinical diagnostic laboratories have submitted clinical-significance assessments for this variant to ClinVar after 2014. Based on the evidence outlined above, the variant was classified as benign.

Genetic Services Laboratory, University of Chicago
Classification: Likely benign. Last evaluated: 2019-07-03. Review status: criteria provided, single submitter. Criteria: ACMG Guidelines, 2015. Collection method: clinical testing. Allele origin: germline. Affected: no.

GeneDx
Classification: Benign. Last evaluated: 2019-02-19. Review status: criteria provided, single submitter. Criteria: GeneDx Variant Classification Process June 2021. Collection method: clinical testing. Allele origin: germline. Affected: yes.

Illumina Laboratory Services, Illumina
Classification: Uncertain significance for Smith-Lemli-Opitz syndrome. Last evaluated: 2018-01-13. Review status: criteria provided, single submitter. Criteria: ICSL Variant Classification Criteria 13 December 2019. Collection method: clinical testing. Allele origin: germline.

PreventionGenetics, part of Exact Sciences
Classification: Benign for DHCR7-related condition. Last evaluated: 2022-10-12. Review status: no assertion criteria provided. Collection method: clinical testing. Allele origin: germline. Not counted in ClinVar's aggregate classification.
Comment: This variant is classified as benign based on ACMG/AMP sequence variant interpretation guidelines (Richards et al. 2015 PMID: 25741868, with internal and published modifications).

Natera, Inc.
Classification: Likely benign for Smith-Lemli-Opitz syndrome. Last evaluated: 2017-05-05. Review status: no assertion criteria provided. Collection method: clinical testing. Allele origin: germline. Not counted in ClinVar's aggregate classification.